The following is an entry in ClinVar:

NM_024757.5(EHMT1):c.2476A>C (p.Ile826Leu)

Gene: EHMT1 (euchromatic histone lysine methyltransferase 1; plus strand). Cytogenetic location: 9q34.3.
Variant type: single nucleotide variant.
Coding change: c.2476A>C on transcript NM_024757.5 (MANE Select); coding-DNA position 2476, A replaced by C.
Protein change: p.Ile826Leu; replaces isoleucine 826 with leucine.
Molecular consequence: missense variant.
Genome position (GRCh38, 1-based): chr9:137,790,941, A>C. VCF-style: chr9-137790941-A-C. GRCh37 (hg19) VCF-style: chr9-140685393-A-C.
Other names: c.2383A>C, p.Ile795Leu (NM_001354259.2); c.2455A>C, p.Ile819Leu (NM_001354263.2); short protein forms I795L, I819L, I826L.
Identifiers: ClinVar variation 1701589 (VCV001701589.31), dbSNP rs2137109750, ClinGen allele CA375785625.

ClinVar aggregate classification (germline): Uncertain significance (1 of 4 stars; one submission).

Submission:

CeGaT Center for Human Genetics Tuebingen
Classification: Uncertain significance. Last evaluated: 2022-07-01. Review status: criteria provided, single submitter. Criteria: CeGaT Center For Human Genetics Tuebingen Variant Classification Criteria Version 2. Collection method: clinical testing. Allele origin: germline. Affected: yes. Observed: 1 variant allele.
Comment: EHMT1: PM2